The following is an entry in ClinVar:

ClinVar aggregate classification (germline): Uncertain significance (1 of 4 stars; one submission).

Conditions:
Cardiovascular phenotype. Identifiers: MedGen CN230736.
Hereditary cancer-predisposing syndrome. Also called: Tumor predisposition; Hereditary neoplastic syndrome; Neoplastic Syndromes, Hereditary; Hereditary Cancer Syndrome. Identifiers: Orphanet 140162, MedGen C0027672, MeSH D009386, MONDO:0015356.

Submission:

Ambry Genetics
Classification: Uncertain significance for Cardiovascular phenotype; Hereditary cancer-predisposing syndrome. Last evaluated: 2025-06-07. Review status: criteria provided, single submitter. Criteria: Ambry Variant Classification Scheme 2023. Collection method: clinical testing. Allele origin: germline.
Comment: The p.G414W variant (also known as c.1240G>T), located in coding exon 11 of the LZTR1 gene, results from a G to T substitution at nucleotide position 1240. The glycine at codon 414 is replaced by tryptophan, an amino acid with highly dissimilar properties. This amino acid position is conserved. In addition, the in silico prediction for this alteration is inconclusive. Based on the available evidence, the clinical significance of this variant remains unclear.

NM_006767.4(LZTR1):c.1240G>T (p.Gly414Trp)

Gene: LZTR1 (leucine zipper like post translational regulator 1; plus strand). Cytogenetic location: 22q11.21.
Variant type: single nucleotide variant.
Coding change: c.1240G>T on transcript NM_006767.4 (MANE Select); coding-DNA position 1240, G replaced by T.
Protein change: p.Gly414Trp; replaces glycine 414 with tryptophan.
Molecular consequence: missense variant.
Genome position (GRCh38, 1-based): chr22:20,992,884, G>T. VCF-style: chr22-20992884-G-T. GRCh37 (hg19) VCF-style: chr22-21347173-G-T.
Other names: short protein forms G414W.
Identifiers: ClinVar variation 3995241 (VCV003995241.1).